The following is an entry in ClinVar:

ClinVar aggregate classification (germline): Uncertain significance (1 of 4 stars; one submission).

Conditions:
Severe combined immunodeficiency due to DNA-PKcs deficiency. Also called: IMMUNODEFICIENCY 26 WITH NEUROLOGIC ABNORMALITIES; Immunodeficiency 26 with or without neurologic abnormalities. Identifiers: Orphanet 317425, MedGen C4014833, MONDO:0014423, OMIM 615966.

gnomAD v4.1: 2 of 1,523,676 alleles (0.00013%); highest among the groups gnomAD compares: Admixed American, 0.0024%; no homozygotes.

Submission:

Labcorp Genetics (formerly Invitae), Labcorp
Classification: Uncertain significance for Severe combined immunodeficiency due to DNA-PKcs deficiency. Last evaluated: 2024-09-05. Review status: criteria provided, single submitter. Criteria: Invitae Variant Classification Sherloc (09022015). Collection method: clinical testing. Allele origin: germline.
Comment: This sequence change replaces proline, which is neutral and non-polar, with serine, which is neutral and polar, at codon 2119 of the PRKDC protein (p.Pro2119Ser). This variant is not present in population databases (gnomAD no frequency). This variant has not been reported in the literature in individuals affected with PRKDC-related conditions. ClinVar contains an entry for this variant (Variation ID: 2189810). Invitae Evidence Modeling of protein sequence and biophysical properties (such as structural, functional, and spatial information, amino acid conservation, physicochemical variation, residue mobility, and thermodynamic stability) indicates that this missense variant is not expected to disrupt PRKDC protein function with a negative predictive value of 80%. In summary, the available evidence is currently insufficient to determine the role of this variant in disease. Therefore, it has been classified as a Variant of Uncertain Significance.

NM_006904.7(PRKDC):c.6355C>T (p.Pro2119Ser)

Gene: PRKDC (protein kinase, DNA-activated, catalytic subunit; minus strand). Cytogenetic location: 8q11.21.
Variant type: single nucleotide variant.
Coding change: c.6355C>T on transcript NM_006904.7 (MANE Select); coding-DNA position 6355, C replaced by T.
Protein change: p.Pro2119Ser; replaces proline 2119 with serine.
Molecular consequence: missense variant.
Genome position (GRCh38, 1-based): chr8:47,858,626, G>A on the plus strand (C>T on the coding strand, the complement: PRKDC is on the minus strand). VCF-style: chr8-47858626-G-A. GRCh37 (hg19) VCF-style: chr8-48771187-G-A.
Other names: c.6355C>T, p.Pro2119Ser (NM_001081640.2); short protein forms P2119S.
Identifiers: ClinVar variation 2189810 (VCV002189810.3), dbSNP rs199864974, ClinGen allele CA371160778.